The following is an entry in ClinVar:

ClinVar aggregate classification (germline): Pathogenic/Likely pathogenic. Review status: criteria provided, multiple submitters, no conflicts (2 of 4 stars). 2 submissions from 2 submitters: Pathogenic (1); Likely pathogenic (1). Last evaluated 2024-01-16.

Conditions:
Microcephaly, normal intelligence and immunodeficiency (NBS). Also called: Immunodeficiency, microcephaly with normal intelligence; Nijmegen breakage syndrome; Microcephaly with normal intelligence immunodeficiency and lymphoreticular malignancies; Nonsyndromal microcephaly autosomal recessive with normal intelligence; Seemanova syndrome 2; BERLIN BREAKAGE SYNDROME. Identifiers: Orphanet 647, MedGen C0398791, MONDO:0009623, OMIM 251260.
Hereditary cancer-predisposing syndrome. Also called: Hereditary Cancer Syndrome; Tumor predisposition; Hereditary neoplastic syndrome; Neoplastic Syndromes, Hereditary. Identifiers: Orphanet 140162, MedGen C0027672, MeSH D009386, MONDO:0015356.

Submissions (2):

Ambry Genetics
Classification: Likely pathogenic for Hereditary cancer-predisposing syndrome. Last evaluated: 2024-01-16. Review status: criteria provided, single submitter. Criteria: Ambry Variant Classification Scheme 2023. Collection method: clinical testing. Allele origin: germline.
Comment: The c.48_49delCA variant, located in coding exon 2 of the NBN gene, results from a deletion of two nucleotides at nucleotide positions 48 to 49, causing a translational frameshift with a predicted alternate stop codon (p.Y16*). The predicted stop codon occurs in the 5&rsquo; end of theNBN gene. Premature termination codons in the 5&rsquo; end of a gene have been reported to escape nonsense-mediated mRNAdecay and/or lead to re-initiation (Rivas et al. Science. 2015 May 8;348(6235):666-9; Lindeboom et al. Nat Genet. 2016 Oct;48(10):1112-8; Rhee et al. Sci Rep. 2017 May 10;7(1):1653). Direct evidence for this alteration is unavailable, however premature termination codons are typically deleterious in nature. Based on the majority of available evidence to date, this variant is likely to be pathogenic.

Labcorp Genetics (formerly Invitae), Labcorp
Classification: Pathogenic for Microcephaly, normal intelligence and immunodeficiency. Last evaluated: 2023-09-27. Review status: criteria provided, single submitter. Criteria: Invitae Variant Classification Sherloc (09022015). Collection method: clinical testing. Allele origin: germline.
Comment: This variant has not been reported in the literature in individuals affected with NBN-related conditions. This sequence change creates a premature translational stop signal (p.Tyr16*) in the NBN gene. It is expected to result in an absent or disrupted protein product. Loss-of-function variants in NBN are known to be pathogenic (PMID: 9590180, 16415040). This variant is not present in population databases (gnomAD no frequency). For these reasons, this variant has been classified as Pathogenic.

Literature cited by the submitters: PubMed 9590180 (cited by Labcorp Genetics (formerly Invitae), Labcorp); PubMed 16415040 (cited by Labcorp Genetics (formerly Invitae), Labcorp).

NM_002485.5(NBN):c.48_49del (p.Tyr16_Arg17delinsTer)

Gene: NBN (nibrin; minus strand). Cytogenetic location: 8q21.3.
Variant type: Deletion.
Coding change: c.48_49del on transcript NM_002485.5 (MANE Select); coding-DNA positions 48 to 49, 2 bases deleted (CA; older notation c.48_49delCA).
Protein change: p.Tyr16_Arg17delinsTer.
Molecular consequence: nonsense. On other transcripts: 5 prime UTR variant (1).
Genome position (GRCh38, 1-based): chr8:89,982,844-89,982,845, TG deleted on the plus strand (CA on the coding strand, the reverse complement: NBN is on the minus strand); deleting any 2 consecutive bases within chr8:89,982,844-89,982,846 gives the same sequence; the c. name uses the placement nearest the transcript's 3' end. VCF-style (leftmost placement, unchanged base first): chr8-89982843-CTG-C. GRCh37 (hg19) VCF-style: chr8-90995071-CTG-C.
Other names: c.-249_-248del (NM_001024688.3); c.48_49delCA (NM_002485.4).
Identifiers: ClinVar variation 2749534 (VCV002749534.4), dbSNP rs2488369879, ClinGen allele CA2697550016.